The following is an entry in ClinVar:

ClinVar aggregate classification (germline): Uncertain significance. Review status: criteria provided, multiple submitters, no conflicts (2 of 4 stars). 3 submissions from 3 submitters: Uncertain significance (3). Last evaluated 2026-01-12.

Conditions:
Isolated growth hormone deficiency type IB (IGHD1B). Also called: IGHD IB; IGHD 1B. Identifiers: Orphanet 231671, Orphanet 631, MedGen C2748571, MONDO:0013006, OMIM 612781.

Allele frequency attached by ClinVar (database versions not stated): gnomAD 0.00048 and 0.00051; TOPMed 0.00051; ESP Exome Variant Server 0.00052; gnomAD exomes 0.00064 and 0.00067; 1000 Genomes Project 0.00080; 1000 Genomes Project 30x 0.00094; ExAC 0.00103.
gnomAD v4.1: 969 of 1,550,560 alleles (0.062%); highest among the groups gnomAD compares: Middle Eastern, 0.29%; 1 homozygote.

Submissions (3):

Labcorp Genetics (formerly Invitae), Labcorp
Classification: Uncertain significance. Last evaluated: 2026-01-12. Review status: criteria provided, single submitter. Criteria: Invitae Variant Classification Sherloc (09022015). Collection method: clinical testing. Allele origin: germline.
Comment: This sequence change replaces arginine, which is basic and polar, with tryptophan, which is neutral and slightly polar, at codon 4 of the GHRHR protein (p.Arg4Trp). This variant is present in population databases (rs142361839, gnomAD 0.1%), and has an allele count higher than expected for a pathogenic variant. This variant has not been reported in the literature in individuals affected with GHRHR-related conditions. ClinVar contains an entry for this variant (Variation ID: 909041). An algorithm developed to predict the effect of missense changes on protein structure and function outputs the following: PolyPhen-2: "Benign". The tryptophan amino acid residue is found in multiple mammalian species, which suggests that this missense change does not adversely affect protein function. Experimental studies have shown that this missense change does not substantially affect GHRHR function (PMID: 31231873). In summary, the available evidence is currently insufficient to determine the role of this variant in disease. Therefore, it has been classified as a Variant of Uncertain Significance.

GeneDx
Classification: Uncertain significance. Last evaluated: 2023-04-26. Review status: criteria provided, single submitter. Criteria: GeneDx Variant Classification Process June 2021. Collection method: clinical testing. Allele origin: germline. Affected: yes.
Comment: Identified in an individual with isolated growth hormone deficiency in published literature (Cohen et al., 2019); Identified in published literature in both individuals with isolated growth hormone deficiency and in unaffected controls at comparable frequency (Godi et al., 2009); In vitro studies suggest that this variant does not alter the cAMP-mediated transcriptional activity of the GHRHR protein (Cohen et al., 2019); In silico analysis supports that this missense variant does not alter protein structure/function; This variant is associated with the following publications: (PMID: 31231873, 19622623)

Illumina Laboratory Services, Illumina
Classification: Uncertain significance for Isolated growth hormone deficiency type IB. Last evaluated: 2017-04-27. Review status: criteria provided, single submitter. Criteria: ICSL Variant Classification Criteria 13 December 2019. Collection method: clinical testing. Allele origin: germline.

Literature cited by the submitters: PubMed 31231873 (cited by Labcorp Genetics (formerly Invitae), Labcorp).

NM_000823.4(GHRHR):c.10C>T (p.Arg4Trp)

Gene: GHRHR (growth hormone releasing hormone receptor; plus strand). Cytogenetic location: 7p14.3.
Variant type: single nucleotide variant.
Coding change: c.10C>T on transcript NM_000823.4 (MANE Select); coding-DNA position 10, C replaced by T.
Protein change: p.Arg4Trp; replaces arginine 4 with tryptophan.
Molecular consequence: missense variant.
Genome position (GRCh38, 1-based): chr7:30,964,078, C>T. VCF-style: chr7-30964078-C-T. GRCh37 (hg19) VCF-style: chr7-31003693-C-T.
Other names: short protein forms R4W.
Identifiers: ClinVar variation 909041 (VCV000909041.8), dbSNP rs142361839, ClinGen allele CA4208369.